The following is an entry in ClinVar:

NM_001002295.2(GATA3):c.1050+6T>C

Gene: GATA3 (GATA binding protein 3; plus strand). Cytogenetic location: 10p14.
Variant type: single nucleotide variant.
Coding change: c.1050+6T>C on transcript NM_001002295.2 (MANE Select); 6 bases into the intron after coding-DNA position 1050, T replaced by C.
Molecular consequence: intron variant.
Genome position (GRCh38, 1-based): chr10:8,069,604, T>C. VCF-style: chr10-8069604-T-C. GRCh37 (hg19) VCF-style: chr10-8111567-T-C.
Other names: c.1050+6T>C (NM_001441116.1, NM_001441118.1, NM_001441117.1 and 9 more transcripts); c.1047+6T>C (NM_001441124.1, NM_001441132.1, NM_001441125.1 and 5 more transcripts); c.904+6T>C (NM_001441134.1); c.171+6T>C (NM_001441135.1).
Identifiers: ClinVar variation 4723944 (VCV004723944.1).

ClinVar aggregate classification (germline): Uncertain significance (1 of 4 stars; one submission).

Submission:

Labcorp Genetics (formerly Invitae), Labcorp
Classification: Uncertain significance. Last evaluated: 2025-08-09. Review status: criteria provided, single submitter. Criteria: Invitae Variant Classification Sherloc (09022015). Collection method: clinical testing. Allele origin: germline.
Comment: This sequence change falls in intron 5 of the GATA3 gene. It does not directly change the encoded amino acid sequence of the GATA3 protein. It affects a nucleotide within the consensus splice site. This variant is not present in population databases (gnomAD no frequency). This variant has not been reported in the literature in individuals affected with GATA3-related conditions. Variants that disrupt the consensus splice site are a relatively common cause of aberrant splicing (PMID: 17576681, 9536098). Algorithms developed to predict the effect of sequence changes on RNA splicing suggest that this variant may disrupt the consensus splice site. In summary, the available evidence is currently insufficient to determine the role of this variant in disease. Therefore, it has been classified as a Variant of Uncertain Significance.

Literature cited by the submitters: PubMed 17576681; PubMed 9536098.